The following is an entry in ClinVar:

NM_004453.4(ETFDH):c.1607_1608del (p.His536fs)

Gene: ETFDH (electron transfer flavoprotein dehydrogenase; plus strand). Cytogenetic location: 4q32.1.
Variant type: Microsatellite.
Coding change: c.1607_1608del on transcript NM_004453.4 (MANE Select); coding-DNA positions 1607 to 1608, 2 bases deleted (AC; older notation c.1607_1608delAC).
Protein change: p.His536fs; shifts the reading frame from histidine 536.
Molecular consequence: frameshift variant.
Genome position (GRCh38, 1-based): chr4:158,706,767-158,706,768, AC deleted; deleting any 2 consecutive bases within chr4:158,706,764-158,706,768 gives the same sequence; the c. name uses the placement nearest the transcript's 3' end. VCF-style (leftmost placement, unchanged base first): chr4-158706763-GCA-G. GRCh37 (hg19) VCF-style: chr4-159627915-GCA-G.
Other names: c.1466_1467del, p.His489fs (NM_001281737.2); c.1424_1425del, p.His475fs (NM_001281738.1); short protein forms H489fs, H475fs, H536fs.
Identifiers: ClinVar variation 846966 (VCV000846966.8), dbSNP rs1774633192, ClinGen allele CA916082666.
Genomic context (GRCh38, chr4:158,706,763, plus strand): 5'-AGTTTTGACCTCTTGTCATCTGTGGCTCTGAGTGGTACTAATCATGAACATGACCAGCCG[GCA>G]CACTTAACCTTAAGGGATGACAGTATACCTGTAAATAGAAATCTGTCGATATATGATGGG-3'

ClinVar aggregate classification (germline): Pathogenic (1 of 4 stars; one submission).

Conditions:
Multiple acyl-CoA dehydrogenase deficiency (MADD). Also called: Glutaric aciduria, type 2; Glutaric Acidemia type 2; ETHYLMALONIC-ADIPICACIDURIA; GA II; Glutaric acidemia type II; GA 2. Identifiers: Orphanet 26791, MedGen C0268596, MONDO:0009282, OMIM 231680.

Submission:

Labcorp Genetics (formerly Invitae), Labcorp
Classification: Pathogenic for Multiple acyl-CoA dehydrogenase deficiency. Last evaluated: 2019-01-13. Review status: criteria provided, single submitter. Criteria: Invitae Variant Classification Sherloc (09022015). Collection method: clinical testing. Allele origin: germline.
Comment: This sequence change creates a premature translational stop signal (p.His536Leufs*6) in the ETFDH gene. It is expected to result in an absent or disrupted protein product. This variant is not present in population databases (ExAC no frequency). This variant has not been reported in the literature in individuals with ETFDH-related conditions. Loss-of-function variants in ETFDH are known to be pathogenic (PMID: 16510302, 23785301). For these reasons, this variant has been classified as Pathogenic.

Literature cited by the submitters: PubMed 16510302; PubMed 23785301.